The following is an entry in ClinVar:

ClinVar aggregate classification (germline): Uncertain significance (1 of 4 stars; one submission).

Submission:

Labcorp Genetics (formerly Invitae), Labcorp
Classification: Uncertain significance. Last evaluated: 2023-07-10. Review status: criteria provided, single submitter. Criteria: Invitae Variant Classification Sherloc (09022015). Collection method: clinical testing. Allele origin: germline.
Comment: In summary, the available evidence is currently insufficient to determine the role of this variant in disease. Therefore, it has been classified as a Variant of Uncertain Significance. Experimental studies and prediction algorithms are not available or were not evaluated, and the functional significance of this variant is currently unknown. ClinVar contains an entry for this variant (Variation ID: 1969619). This variant has not been reported in the literature in individuals affected with PDZD7-related conditions. This variant is not present in population databases (gnomAD no frequency). This sequence change replaces histidine, which is basic and polar, with glutamine, which is neutral and polar, at codon 924 of the PDZD7 protein (p.His924Gln).

NM_001195263.2(PDZD7):c.2772C>A (p.His924Gln)

Gene: PDZD7 (PDZ domain containing 7; minus strand). Cytogenetic location: 10q24.31.
Variant type: single nucleotide variant.
Coding change: c.2772C>A on transcript NM_001195263.2 (MANE Select); coding-DNA position 2772, C replaced by A.
Protein change: p.His924Gln; replaces histidine 924 with glutamine.
Molecular consequence: missense variant.
Genome position (GRCh38, 1-based): chr10:101,008,797, G>T on the plus strand (C>A on the coding strand, the complement: PDZD7 is on the minus strand). VCF-style: chr10-101008797-G-T. GRCh37 (hg19) VCF-style: chr10-102768554-G-T.
Other names: short protein forms H924Q.
Identifiers: ClinVar variation 1969619 (VCV001969619.5), dbSNP rs745512974, ClinGen allele CA212977391.
Genomic context (GRCh38, chr10:101,008,797, plus strand): 5'-CTCCATGGGCTCCCGGGCCTTGTTTCGATAAGCCCGACGGATGGTGTCTACTGCACGCTG[G>T]TGGGTCACCTGCTCTAGATTCTCTCCGTCCACTGCCACAAGCTCGAAGCCAGCCTAGGGT-3'
Protein context (NP_001182192.1, residues 914-934): VDGENLEQVT[His924Gln]QRAVDTIRRA